The following is an entry in ClinVar:

ClinVar aggregate classification (germline): Likely pathogenic (1 of 4 stars; one submission).

Conditions:
Familial focal epilepsy with variable foci (FPEVF). Identifiers: Orphanet 98820, MedGen C1858477, MONDO:0020310.

Submission:

Labcorp Genetics (formerly Invitae), Labcorp
Classification: Likely pathogenic for Familial focal epilepsy with variable foci. Last evaluated: 2022-01-15. Review status: criteria provided, single submitter. Criteria: Invitae Variant Classification Sherloc (09022015). Collection method: clinical testing. Allele origin: germline.
Comment: Algorithms developed to predict the effect of sequence changes on RNA splicing suggest that this variant may disrupt the consensus splice site. ClinVar contains an entry for this variant (Variation ID: 641534). This variant has not been reported in the literature in individuals affected with DEPDC5-related conditions. This variant is not present in population databases (gnomAD no frequency). This sequence change affects a donor splice site in intron 15 of the DEPDC5 gene. It is expected to disrupt RNA splicing. Variants that disrupt the donor or acceptor splice site typically lead to a loss of protein function (PMID: 16199547), and loss-of-function variants in DEPDC5 are known to be pathogenic (PMID: 23542697, 23542701). In summary, the currently available evidence indicates that the variant is pathogenic, but additional data are needed to prove that conclusively. Therefore, this variant has been classified as Likely Pathogenic.

Literature cited by the submitters: PubMed 16199547; PubMed 23542697; PubMed 23542701.

NM_001242896.3(DEPDC5):c.1081+2T>G

Gene: DEPDC5 (DEP domain containing 5, GATOR1 subcomplex subunit; plus strand). Cytogenetic location: 22q12.3.
Variant type: single nucleotide variant.
Coding change: c.1081+2T>G on transcript NM_001242896.3 (MANE Select); the canonical splice donor site of the intron after coding-DNA position 1081, T replaced by G.
Molecular consequence: splice donor variant.
Genome position (GRCh38, 1-based): chr22:31,802,840, T>G. VCF-style: chr22-31802840-T-G. GRCh37 (hg19) VCF-style: chr22-32198826-T-G.
Other names: c.1081+2T>G (NM_001364318.2, NM_001136029.4, NM_014662.6 and 7 more transcripts); c.997+2T>G (NM_001369902.1, NM_001369901.1).
Identifiers: ClinVar variation 641534 (VCV000641534.8), dbSNP rs1601970824, ClinGen allele CA411293023.
Genomic context (GRCh38, chr22:31,802,840, plus strand): 5'-TGTCTTTGAAGTGGACCGCCTACTCATGATCCTGACCAAGCAGCGGATGATAGATAATGG[T>G]AATGCTCTCTGGTTTGTGCCCTGTCTCCACATGTTCCTAGCCTGATTTCCCCTTAGAACT-3'